The following is an entry in ClinVar:

NM_021074.5(NDUFV2):c.300+2T>A

Gene: NDUFV2 (NADH:ubiquinone oxidoreductase core subunit V2; plus strand). Cytogenetic location: 18p11.22.
Variant type: single nucleotide variant.
Coding change: c.300+2T>A on transcript NM_021074.5 (MANE Select); the canonical splice donor site of the intron after coding-DNA position 300, T replaced by A.
Molecular consequence: splice donor variant.
Genome position (GRCh38, 1-based): chr18:9,119,592, T>A. VCF-style: chr18-9119592-T-A. GRCh37 (hg19) VCF-style: chr18-9119590-T-A.
Identifiers: ClinVar variation 2054766 (VCV002054766.5), dbSNP rs2510151392, ClinGen allele CA402023938.
Genomic context (GRCh38, chr18:9,119,592, plus strand): 5'-CAGTCCTGGATTTAGCCCAAAGGCAGAATGGGTGGTTGCCCATCTCTGCTATGAACAAGG[T>A]ACTGGATTCATTTTTGCCTTAGTTCTAAAAGAGAAGAGATTGTGTATGATAATTTCCTTT-3'

ClinVar aggregate classification (germline): Likely pathogenic. Review status: criteria provided, multiple submitters, no conflicts (2 of 4 stars). 2 submissions from 2 submitters: Likely pathogenic (2). Last evaluated 2025-12-28.

Conditions:
Mitochondrial complex I deficiency, nuclear type 7. Also called: Mitochondrial complex 1 deficiency, nuclear type 7. Identifiers: MedGen C4748760, MONDO:0032612, OMIM 618229.

Allele frequency attached by ClinVar (database versions not stated): gnomAD exomes below 0.00001.
gnomAD v4.1: 1 of 1,607,580 alleles (0.000062%); highest among the groups gnomAD compares: East Asian, 0.0022%; no homozygotes.

Submissions (2):

First Genomix Gene Laboratory, Genetic Diagnostics Department
Classification: Likely pathogenic for Mitochondrial complex I deficiency, nuclear type 7. Last evaluated: 2025-12-28. Review status: criteria provided, single submitter. Criteria: ACMG Guidelines, 2015. Collection method: clinical testing. Allele origin: germline. Inheritance: Autosomal recessive inheritance. Affected: no. Observed: 1 variant allele.

Labcorp Genetics (formerly Invitae), Labcorp
Classification: Likely pathogenic. Last evaluated: 2024-06-03. Review status: criteria provided, single submitter. Criteria: Invitae Variant Classification Sherloc (09022015). Collection method: clinical testing. Allele origin: germline.
Comment: This sequence change affects a donor splice site in intron 4 of the NDUFV2 gene. It is expected to disrupt RNA splicing. Variants that disrupt the donor or acceptor splice site typically lead to a loss of protein function (PMID: 16199547), and loss-of-function variants in NDUFV2 are known to be pathogenic (PMID: 12754703, 26008862). This variant is not present in population databases (gnomAD no frequency). This variant has not been reported in the literature in individuals affected with NDUFV2-related conditions. ClinVar contains an entry for this variant (Variation ID: 2054766). Algorithms developed to predict the effect of sequence changes on RNA splicing suggest that this variant may disrupt the consensus splice site. In summary, the currently available evidence indicates that the variant is pathogenic, but additional data are needed to prove that conclusively. Therefore, this variant has been classified as Likely Pathogenic.

Literature cited by the submitters: PubMed 16199547 (cited by Labcorp Genetics (formerly Invitae), Labcorp); PubMed 12754703 (cited by Labcorp Genetics (formerly Invitae), Labcorp); PubMed 26008862 (cited by Labcorp Genetics (formerly Invitae), Labcorp).